The following is an entry in ClinVar:

ClinVar aggregate classification (germline): Uncertain significance. Review status: criteria provided, multiple submitters, no conflicts (2 of 4 stars). 3 submissions from 3 submitters: Uncertain significance (3). Last evaluated 2025-12-08.

Conditions:
Inborn genetic diseases. Identifiers: MedGen C0950123, MeSH D030342.

Allele frequency attached by ClinVar (database versions not stated): ExAC 0.00005; 1000 Genomes Project 30x 0.00031; 1000 Genomes Project 0.00040.
gnomAD v4.1: 21 of 1,614,028 alleles (0.0013%); highest among the groups gnomAD compares: East Asian, 0.038%; no homozygotes.

Submissions (3):

Labcorp Genetics (formerly Invitae), Labcorp
Classification: Uncertain significance. Last evaluated: 2025-12-08. Review status: criteria provided, single submitter. Criteria: Invitae Variant Classification Sherloc (09022015). Collection method: clinical testing. Allele origin: germline.
Comment: This sequence change replaces histidine, which is basic and polar, with proline, which is neutral and non-polar, at codon 530 of the SAMD9 protein (p.His530Pro). This variant is present in population databases (rs200619557, gnomAD 0.03%). This variant has not been reported in the literature in individuals affected with SAMD9-related conditions. ClinVar contains an entry for this variant (Variation ID: 1986647). Invitae Evidence Modeling of protein sequence and biophysical properties (such as structural, functional, and spatial information, amino acid conservation, physicochemical variation, residue mobility, and thermodynamic stability) indicates that this missense variant is not expected to disrupt SAMD9 protein function with a negative predictive value of 95%. In summary, the available evidence is currently insufficient to determine the role of this variant in disease. Therefore, it has been classified as a Variant of Uncertain Significance.

Ambry Genetics
Classification: Uncertain significance for Inborn genetic diseases. Last evaluated: 2025-01-05. Review status: criteria provided, single submitter. Criteria: Ambry Variant Classification Scheme 2023. Collection method: clinical testing. Allele origin: germline.
Comment: The p.H530P variant (also known as c.1589A>C), located in coding exon 1 of the SAMD9 gene, results from an A to C substitution at nucleotide position 1589. The histidine at codon 530 is replaced by proline, an amino acid with similar properties. This amino acid position is conserved. In addition, this alteration is predicted to be tolerated by in silico analysis. Based on the available evidence, the clinical significance of this variant remains unclear.

GeneDx
Classification: Uncertain significance. Last evaluated: 2023-11-08. Review status: criteria provided, single submitter. Criteria: GeneDx Variant Classification Process June 2021. Collection method: clinical testing. Allele origin: germline.
Comment: In silico analysis supports that this missense variant does not alter protein structure/function; Has not been previously published as pathogenic or benign to our knowledge; This variant is associated with the following publications: (PMID: 28545555)

NM_017654.4(SAMD9):c.1589A>C (p.His530Pro)

Gene: SAMD9 (sterile alpha motif domain containing 9; minus strand). Cytogenetic location: 7q21.2.
Variant type: single nucleotide variant.
Coding change: c.1589A>C on transcript NM_017654.4 (MANE Select); coding-DNA position 1589, A replaced by C.
Protein change: p.His530Pro; replaces histidine 530 with proline.
Molecular consequence: missense variant.
Genome position (GRCh38, 1-based): chr7:93,104,509, T>G on the plus strand (A>C on the coding strand, the complement: SAMD9 is on the minus strand). VCF-style: chr7-93104509-T-G. GRCh37 (hg19) VCF-style: chr7-92733822-T-G.
Other names: c.1589A>C (NM_017654.3); c.1589A>C, p.His530Pro (NM_001193307.2); short protein forms H530P.
Identifiers: ClinVar variation 1986647 (VCV001986647.6), dbSNP rs200619557, ClinGen allele CA4342958.
Genomic context (GRCh38, chr7:93,104,509, plus strand): 5'-TCCACAGAGGACAGTAATAGAAATACCACCAAAAACTTCCCTCTTGGCATTATGTCTTCA[T>G]GTGTAAGAAATGAAATCAGTTTCCTGACATCAGAAGCTCTTTCTCTTTGCCAGGAACTTG-3'
Protein context (NP_060124.2, residues 520-540): DVRKLISFLT[His530Pro]EDIMPRGKFL